The following is an entry in ClinVar:

NM_147196.3(TMIE):c.367AAG[8] (p.Lys131del)

Gene: TMIE (transmembrane inner ear; plus strand). Cytogenetic location: 3p21.31.
Variant type: Microsatellite.
Coding change: c.367AAG[8] on transcript NM_147196.3 (MANE Select); eight copies in a row of the 3-base unit AAG starting at c.367; the reference has nine copies in a row; one copy, 3 bases deleted.
Protein change: p.Lys131del; deletes lysine 131.
Molecular consequence: inframe deletion.
Genome position (GRCh38, 1-based): chr3:46,709,608-46,709,610, AAG deleted; deleting any 3 consecutive bases within chr3:46,709,584-46,709,610 gives the same sequence; the position shown is the placement nearest the transcript's 3' end. VCF-style (leftmost placement, unchanged base first): chr3-46709583-TAAG-T. GRCh37 (hg19) VCF-style: chr3-46751073-TAAG-T.
Other names: c.208AAG[8], p.Lys78del (NM_001370524.1, NM_001370525.1); c.391_393delAAG (NM_147196.2); short protein forms K131del, K78del.
Identifiers: ClinVar variation 47962 (VCV000047962.35), dbSNP rs10578999, ClinGen allele CA142262.

ClinVar aggregate classification (germline): Benign/Likely benign. Review status: criteria provided, multiple submitters, no conflicts (2 of 4 stars). 9 submissions from 9 submitters: Benign (8); Likely benign (1). Last evaluated 2026-02-04.

Conditions:
Autosomal recessive nonsyndromic hearing loss 6. Also called: NEUROSENSORY NONSYNDROMIC RECESSIVE DEAFNESS 6. Identifiers: Orphanet 90636, MedGen C1832992, MONDO:0010965, OMIM 600971.

Submissions (9):

Labcorp Genetics (formerly Invitae), Labcorp
Classification: Benign. Last evaluated: 2026-02-04. Review status: criteria provided, single submitter. Criteria: Invitae Variant Classification Sherloc (09022015). Collection method: clinical testing. Allele origin: germline.

Blueprint Genetics
Classification: Likely benign. Last evaluated: 2024-11-26. Review status: criteria provided, single submitter. Criteria: ACMG Guidelines, 2015. Collection method: clinical testing. Allele origin: germline.

ARUP Laboratories, Molecular Genetics and Genomics, ARUP Laboratories
Classification: Benign for Autosomal recessive nonsyndromic hearing loss 6. Last evaluated: 2023-11-29. Review status: criteria provided, single submitter. Criteria: ARUP Molecular Germline Variant Investigation Process 2024. Collection method: clinical testing. Allele origin: germline.

Genome-Nilou Lab
Classification: Benign for Autosomal recessive nonsyndromic hearing loss 6. Last evaluated: 2021-09-10. Review status: criteria provided, single submitter. Criteria: ACMG Guidelines, 2015. Collection method: clinical testing. Allele origin: germline. Affected: no.

Mayo Clinic Laboratories, Mayo Clinic
Classification: Benign. Last evaluated: 2020-07-02. Review status: criteria provided, single submitter. Criteria: ACMG Guidelines, 2015. Collection method: clinical testing. Allele origin: germline. Observed: 123 variant alleles.

GeneDx
Classification: Benign. Last evaluated: 2017-05-17. Review status: criteria provided, single submitter. Criteria: GeneDx Variant Classification Process June 2021. Collection method: clinical testing. Allele origin: germline. Affected: yes.
Comment: This variant is associated with the following publications: (PMID: 27045574)

Eurofins Ntd Llc (ga)
Classification: Benign. Last evaluated: 2014-12-10. Review status: criteria provided, single submitter. Criteria: EGL Classification Definitions 2015. Collection method: clinical testing. Allele origin: germline. Observed: 3 variant alleles, 2 heterozygotes, 1 homozygote.

Laboratory for Molecular Medicine, Mass General Brigham Personalized Medicine
Classification: Benign. Last evaluated: 2012-03-08. Review status: criteria provided, single submitter. Criteria: LMM Criteria. Collection method: clinical testing. Allele origin: germline. Observed: 1,633 variant alleles.

PreventionGenetics, part of Exact Sciences
Classification: Benign. Review status: criteria provided, single submitter. Criteria: ACMG Guidelines, 2015. Collection method: clinical testing. Allele origin: germline.